The following is an entry in ClinVar:

NM_001035.3(RYR2):c.9211A>T (p.Thr3071Ser)

Gene: RYR2 (ryanodine receptor 2; plus strand). Cytogenetic location: 1q43.
Variant type: single nucleotide variant.
Coding change: c.9211A>T on transcript NM_001035.3 (MANE Select); coding-DNA position 9211, A replaced by T.
Protein change: p.Thr3071Ser; replaces threonine 3071 with serine.
Molecular consequence: missense variant.
Genome position (GRCh38, 1-based): chr1:237,700,311, A>T. VCF-style: chr1-237700311-A-T. GRCh37 (hg19) VCF-style: chr1-237863611-A-T.
Other names: short protein forms T3071S.
Identifiers: ClinVar variation 920781 (VCV000920781.4), dbSNP rs1208471339, ClinGen allele CA345405677.

ClinVar aggregate classification (germline): Uncertain significance (1 of 4 stars; one submission).

Conditions:
Cardiomyopathy (CMYO). Also called: Cardiomyopathies. Identifiers: Orphanet 167848, MedGen C0878544, MONDO:0004994, HP:0001638. Inheritance: Various modes of inheritance.

Submission:

Color Diagnostics, LLC DBA Color Health
Classification: Uncertain significance for Cardiomyopathy. Last evaluated: 2024-03-06. Review status: criteria provided, single submitter. Criteria: ACMG Guidelines, 2015. Collection method: clinical testing. Allele origin: germline.
Comment: This missense variant replaces threonine with serine at codon 3071 of the RYR2 protein. Computational prediction is inconclusive regarding the impact of this variant on protein structure and function (internally defined REVEL score threshold 0.5 < inconclusive < 0.7, PMID: 27666373). Splice site prediction tools suggest that this variant may not impact RNA splicing. To our knowledge, functional studies have not been performed for this variant. This variant has not been reported in individuals affected with cardiovascular disorders in the literature. This variant has not been identified in the general population by the Genome Aggregation Database (gnomAD). The available evidence is insufficient to determine the role of this variant in disease conclusively. Therefore, this variant is classified as a Variant of Uncertain Significance.